The following is an entry in ClinVar:

NM_001031855.3(LONRF3):c.1089T>A (p.Ser363Arg)

Gene: LONRF3 (LON peptidase N-terminal domain and ring finger 3; plus strand). Cytogenetic location: Xq24.
Variant type: single nucleotide variant.
Coding change: c.1089T>A on transcript NM_001031855.3 (MANE Select); coding-DNA position 1089, T replaced by A.
Protein change: p.Ser363Arg; replaces serine 363 with arginine.
Molecular consequence: missense variant. On other transcripts: non-coding transcript variant (1).
Genome position (GRCh38, 1-based): chrX:118,989,437, T>A. VCF-style: chrX-118989437-T-A. GRCh37 (hg19) VCF-style: chrX-118123400-T-A.
Other names: c.321T>A, p.Ser107Arg (NM_001289109.1); c.966T>A, p.Ser322Arg (NM_024778.5); short protein forms S322R, S363R, S107R.
Identifiers: ClinVar variation 4547027 (VCV004547027.1).

ClinVar aggregate classification (germline): Uncertain significance (1 of 4 stars; one submission).

gnomAD v4.1: 8 of 1,208,814 alleles (0.00066%); highest among the groups gnomAD compares: Middle Eastern, 0.023%; no homozygotes.

Submission:

Ambry Genetics
Classification: Uncertain significance. Last evaluated: 2025-10-18. Review status: criteria provided, single submitter. Criteria: Ambry Variant Classification Scheme 2023. Collection method: clinical testing. Allele origin: germline.
Comment: The c.1089T>A (p.S363R) alteration is located in exon 4 (coding exon 4) of the LONRF3 gene. This alteration results from a T to A substitution at nucleotide position 1089, causing the serine (S) at amino acid position 363 to be replaced by an arginine (R). Based on data from gnomAD, the A allele has an overall frequency of <0.001% (1/182959) total alleles studied. The highest observed frequency was 0.001% (1/81473) of European (non-Finnish) alleles. Based on insufficient or conflicting evidence, the clinical significance of this alteration remains unclear.